The following is an entry in ClinVar:

NM_001042492.3(NF1):c.7971-2A>C

Gene: NF1 (neurofibromin 1; plus strand). Cytogenetic location: 17q11.2.
Variant type: single nucleotide variant.
Coding change: c.7971-2A>C on transcript NM_001042492.3 (MANE Select); the canonical splice acceptor site of the intron before coding-DNA position 7971, A replaced by C.
Molecular consequence: splice acceptor variant.
Genome position (GRCh38, 1-based): chr17:31,358,478, A>C. VCF-style: chr17-31358478-A-C. GRCh37 (hg19) VCF-style: chr17-29685496-A-C.
Other names: c.7908-2A>C (NM_000267.4).
Identifiers: ClinVar variation 1761158 (VCV001761158.2), dbSNP rs779079091, ClinGen allele CA399203577.

ClinVar aggregate classification (germline): Likely pathogenic (1 of 4 stars; one submission).

Conditions:
Hereditary cancer-predisposing syndrome. Also called: Neoplastic Syndromes, Hereditary; Tumor predisposition; Hereditary Cancer Syndrome; Hereditary neoplastic syndrome. Identifiers: Orphanet 140162, MedGen C0027672, MeSH D009386, MONDO:0015356.
Cardiovascular phenotype. Identifiers: MedGen CN230736.

Submission:

Ambry Genetics
Classification: Likely pathogenic for Cardiovascular phenotype; Hereditary cancer-predisposing syndrome. Last evaluated: 2019-07-08. Review status: criteria provided, single submitter. Criteria: Ambry Variant Classification Scheme 2023. Collection method: clinical testing. Allele origin: germline.
Comment: The c.7908-2A>C intronic variant results from an A to C substitution two nucleotides upstream from coding exon 54 in the NF1 gene. This nucleotide position is highly conserved in available vertebrate species. Using the BDGP and ESEfinder splice site prediction tools, this alteration is predicted to abolish the native splice acceptor site; however, direct evidence is unavailable. A different alteration located at the same position, c.7908-2A>G, was detected in an individual meeting diagnostic criteria for Neurofibromatosis type 1 (NF1) (Fahsold R et al. Am. J. Hum. Genet., 2000 Mar;66:790-818). Based on the majority of available evidence to date, this variant is likely to be pathogenic.